The following is an entry in ClinVar:

ClinVar aggregate classification (germline): Uncertain significance. Review status: criteria provided, multiple submitters, no conflicts (2 of 4 stars). 2 submissions from 2 submitters: Uncertain significance (2). Last evaluated 2024-06-21.

Conditions:
Hereditary nonpolyposis colorectal neoplasms. Identifiers: MedGen C0009405, MeSH D003123.
Hereditary cancer-predisposing syndrome. Also called: Neoplastic Syndromes, Hereditary; Tumor predisposition; Hereditary Cancer Syndrome; Hereditary neoplastic syndrome. Identifiers: Orphanet 140162, MedGen C0027672, MeSH D009386, MONDO:0015356.

Submissions (2):

Labcorp Genetics (formerly Invitae), Labcorp
Classification: Uncertain significance for Hereditary nonpolyposis colorectal neoplasms. Last evaluated: 2024-06-21. Review status: criteria provided, single submitter. Criteria: Invitae Variant Classification Sherloc (09022015). Collection method: clinical testing. Allele origin: germline.
Comment: This sequence change replaces histidine, which is basic and polar, with glutamine, which is neutral and polar, at codon 852 of the PMS2 protein (p.His852Gln). The frequency data for this variant in the population databases (gnomAD) is considered unreliable due to the presence of homologous sequence, such as pseudogenes or paralogs, in the genome. This variant has not been reported in the literature in individuals affected with PMS2-related conditions. ClinVar contains an entry for this variant (Variation ID: 821485). Advanced modeling of protein sequence and biophysical properties (such as structural, functional, and spatial information, amino acid conservation, physicochemical variation, residue mobility, and thermodynamic stability) performed at Invitae indicates that this missense variant is expected to disrupt PMS2 protein function with a positive predictive value of 80%. In summary, the available evidence is currently insufficient to determine the role of this variant in disease. Therefore, it has been classified as a Variant of Uncertain Significance.

Ambry Genetics
Classification: Uncertain significance for Hereditary cancer-predisposing syndrome. Last evaluated: 2019-07-23. Review status: criteria provided, single submitter. Criteria: Ambry Variant Classification Scheme 2023. Collection method: clinical testing. Allele origin: germline.
Comment: The p.H852Q variant (also known as c.2556C>G), located in coding exon 15 of the PMS2 gene, results from a C to G substitution at nucleotide position 2556. The histidine at codon 852 is replaced by glutamine, an amino acid with highly similar properties. This amino acid position is highly conserved in available vertebrate species. In addition, this alteration is predicted to be deleterious by in silico analysis. Since supporting evidence is limited at this time, the clinical significance of this alteration remains unclear.

NM_000535.7(PMS2):c.2556C>G (p.His852Gln)

Gene: PMS2 (PMS1 homolog 2, mismatch repair system component; minus strand). Cytogenetic location: 7p22.1.
Variant type: single nucleotide variant.
Coding change: c.2556C>G on transcript NM_000535.7 (MANE Select); coding-DNA position 2556, C replaced by G.
Protein change: p.His852Gln; replaces histidine 852 with glutamine.
Molecular consequence: missense variant. On other transcripts: non-coding transcript variant (1).
Genome position (GRCh38, 1-based): chr7:5,973,432, G>C on the plus strand (C>G on the coding strand, the complement: PMS2 is on the minus strand). VCF-style: chr7-5973432-G-C. GRCh37 (hg19) VCF-style: chr7-6013063-G-C.
Other names: c.2151C>G, p.His717Gln (NM_001322003.2, NM_001322004.2, NM_001322005.2); c.2400C>G, p.His800Gln (NM_001322006.2); c.2238C>G, p.His746Gln (NM_001322007.2, NM_001322008.2); c.2184C>G, p.His728Gln (NM_001322009.2); c.1995C>G, p.His665Gln (NM_001322010.2); c.1623C>G, p.His541Gln (NM_001322011.2, NM_001322012.2); c.1983C>G, p.His661Gln (NM_001322013.2); c.2589C>G, p.His863Gln (NM_001322014.2); and 1 more; short protein forms H665Q, H746Q, H749Q, H661Q, H800Q, H852Q, H863Q, H541Q.
Identifiers: ClinVar variation 821485 (VCV000821485.9), dbSNP rs1583269042, ClinGen allele CA366734799.
Genomic context (GRCh38, chr7:5,973,432, plus strand): 5'-ACCAATTATTCCATACAGTGACTACGGTCAGTTCTGAGAAATGACACCCAGGTTGGCGAT[G>C]TGTCTCATGGTTGGCCTTCCATGGGGACAGTTCCAGGGGTGGTCCATCTCCCCCATGTGG-3'
Protein context (NP_000526.2, residues 842-862): NCPHGRPTMR[His852Gln]IANLGVISQN